The following is an entry in ClinVar:

ClinVar aggregate classification (germline): Uncertain significance (1 of 4 stars; one submission).

Conditions:
Hereditary cancer-predisposing syndrome. Also called: Neoplastic Syndromes, Hereditary; Hereditary Cancer Syndrome; Hereditary neoplastic syndrome; Tumor predisposition. Identifiers: Orphanet 140162, MedGen C0027672, MeSH D009386, MONDO:0015356.

Allele frequency attached by ClinVar (database versions not stated): gnomAD 0.00001; TOPMed 0.00001.
gnomAD v4.1: 2 of 1,613,558 alleles (0.00012%); highest among the groups gnomAD compares: African/African-American, 0.0027%; no homozygotes.

Submission:

Ambry Genetics
Classification: Uncertain significance for Hereditary cancer-predisposing syndrome. Last evaluated: 2023-06-12. Review status: criteria provided, single submitter. Criteria: Ambry Variant Classification Scheme 2023. Collection method: clinical testing. Allele origin: germline.
Comment: The p.D136G variant (also known as c.407A>G), located in coding exon 5 of the MRE11A gene, results from an A to G substitution at nucleotide position 407. The aspartic acid at codon 136 is replaced by glycine, an amino acid with similar properties. This amino acid position is well conserved in available vertebrate species. In addition, the in silico prediction for this alteration is inconclusive. Since supporting evidence is limited at this time, the clinical significance of this alteration remains unclear.

NM_005591.4(MRE11):c.407A>G (p.Asp136Gly)

Gene: MRE11 (MRE11 double strand break repair nuclease; minus strand). Cytogenetic location: 11q21.
Variant type: single nucleotide variant.
Coding change: c.407A>G on transcript NM_005591.4 (MANE Select); coding-DNA position 407, A replaced by G.
Protein change: p.Asp136Gly; replaces aspartic acid 136 with glycine.
Molecular consequence: missense variant.
Genome position (GRCh38, 1-based): chr11:94,478,872, T>C on the plus strand (A>G on the coding strand, the complement: MRE11 is on the minus strand). VCF-style: chr11-94478872-T-C. GRCh37 (hg19) VCF-style: chr11-94212038-T-C.
Other names: c.407A>G, p.Asp136Gly (NM_001330347.2, NM_005590.4); short protein forms D136G.
Identifiers: ClinVar variation 2562191 (VCV002562191.2), dbSNP rs1408485403, ClinGen allele CA382377808.
Genomic context (GRCh38, chr11:94,478,872, plus strand): 5'-GAACGTCCAAAGTGATTTACAAATCCAGCACAACTTAAAATGTCCAAGGCACAAAGTGCA[T>C]CTGCCTATGCAAAATAATTTCAAAGAATGTTAGTGTGTATGTAAAAGTAGGTATCTGCAT-3'
Protein context (NP_005582.1, residues 126-146): HGNHDDPTGA[Asp136Gly]ALCALDILSC